The following is an entry in ClinVar:

NM_213599.3(ANO5):c.1468A>G (p.Thr490Ala)

Gene: ANO5 (anoctamin 5; plus strand). Cytogenetic location: 11p14.3.
Variant type: single nucleotide variant.
Coding change: c.1468A>G on transcript NM_213599.3 (MANE Select); coding-DNA position 1468, A replaced by G.
Protein change: p.Thr490Ala; replaces threonine 490 with alanine.
Molecular consequence: missense variant.
Genome position (GRCh38, 1-based): chr11:22,259,579, A>G. VCF-style: chr11-22259579-A-G. GRCh37 (hg19) VCF-style: chr11-22281125-A-G.
Other names: c.1465A>G, p.Thr489Ala (NM_001142649.2); short protein forms T490A, T489A.
Identifiers: ClinVar variation 284803 (VCV000284803.47), dbSNP rs375611559, ClinGen allele CA5923266.
Genomic context (GRCh38, chr11:22,259,579, plus strand): 5'-ATGTCTCTTGTCGTCACCAGTATGGTAGCTGTAATTGTGTACCGCCTGTCAGTCTTTGCT[A>G]CATTTGCTAGTTTCATGGAAAGTGATGCATCCTTAAAGCAGGTCAAAAGCTTCCTTACTC-3'
Protein context (NP_998764.1, residues 480-500): VIVYRLSVFA[Thr490Ala]FASFMESDAS

ClinVar aggregate classification (germline): Uncertain significance. Review status: criteria provided, multiple submitters, no conflicts (2 of 4 stars). 3 submissions from 3 submitters: Uncertain significance (3). Last evaluated 2025-05-18.

Conditions:
Autosomal recessive limb-girdle muscular dystrophy type 2L (LGMDR12). Also called: Limb-girdle muscular dystrophy, type 2L; MUSCULAR DYSTROPHY, LIMB-GIRDLE, AUTOSOMAL RECESSIVE 12; Limb-Girdle Muscular Dystrophy R12 Anoctamin-5-Related (LGMD-R12). Identifiers: Orphanet 206549, MedGen C1969785, MONDO:0012652, OMIM 611307.
Gnathodiaphyseal dysplasia (GDD). Also called: GNATHODIAPHYSEAL SCLEROSIS; OSTEOGENESIS IMPERFECTA WITH UNUSUAL SKELETAL LESIONS. Identifiers: Orphanet 53697, MedGen C1833736, MONDO:0008151, OMIM 166260.

Allele frequency attached by ClinVar (database versions not stated): TOPMed 0.00005; ESP Exome Variant Server 0.00008.
gnomAD v4.1: 129 of 1,614,012 alleles (0.008%); highest among the groups gnomAD compares: Non-Finnish European, 0.0096%; no homozygotes.

Submissions (3):

Labcorp Genetics (formerly Invitae), Labcorp
Classification: Uncertain significance for Autosomal recessive limb-girdle muscular dystrophy type 2L; Gnathodiaphyseal dysplasia. Last evaluated: 2025-05-18. Review status: criteria provided, single submitter. Criteria: Invitae Variant Classification Sherloc (09022015). Collection method: clinical testing. Allele origin: germline.
Comment: This sequence change replaces threonine, which is neutral and polar, with alanine, which is neutral and non-polar, at codon 490 of the ANO5 protein (p.Thr490Ala). This variant is present in population databases (rs375611559, gnomAD 0.003%). This variant has not been reported in the literature in individuals affected with ANO5-related conditions. ClinVar contains an entry for this variant (Variation ID: 284803). Invitae Evidence Modeling of protein sequence and biophysical properties (such as structural, functional, and spatial information, amino acid conservation, physicochemical variation, residue mobility, and thermodynamic stability) indicates that this missense variant is not expected to disrupt ANO5 protein function with a negative predictive value of 95%. In summary, the available evidence is currently insufficient to determine the role of this variant in disease. Therefore, it has been classified as a Variant of Uncertain Significance.

CeGaT Center for Human Genetics Tuebingen
Classification: Uncertain significance. Last evaluated: 2021-05-01. Review status: criteria provided, single submitter. Criteria: CeGaT Center For Human Genetics Tuebingen Variant Classification Criteria Version 2. Collection method: clinical testing. Allele origin: germline. Affected: yes. Observed: 1 variant allele.

Eurofins Ntd Llc (ga)
Classification: Uncertain significance. Last evaluated: 2017-06-06. Review status: criteria provided, single submitter. Criteria: EGL Classification Definitions 2015. Collection method: clinical testing. Allele origin: germline. Observed: 2 variant alleles, 2 heterozygotes.